The following is an entry in ClinVar:

ClinVar aggregate classification (germline): Uncertain significance (1 of 4 stars; one submission).

Submission:

Mayo Clinic Laboratories, Mayo Clinic
Classification: Uncertain significance. Last evaluated: 2023-09-29. Review status: criteria provided, single submitter. Criteria: ACMG Guidelines, 2015. Collection method: clinical testing. Allele origin: germline. Observed: 1 variant allele.
Comment: BP4_strong, PM2

NM_001367624.2(ZNF469):c.4259A>T (p.Glu1420Val)

Gene: ZNF469 (zinc finger protein 469; plus strand). Cytogenetic location: 16q24.2.
Variant type: single nucleotide variant.
Coding change: c.4259A>T on transcript NM_001367624.2 (MANE Select); coding-DNA position 4259, A replaced by T.
Protein change: p.Glu1420Val; replaces glutamic acid 1420 with valine.
Molecular consequence: missense variant.
Genome position (GRCh38, 1-based): chr16:88,431,729, A>T. VCF-style: chr16-88431729-A-T. GRCh37 (hg19) VCF-style: chr16-88498137-A-T.
Other names: p.Glu1420Val; short protein forms E1420V.
Identifiers: ClinVar variation 3380412 (VCV003380412.1).